The following is an entry in ClinVar:

NM_006031.6(PCNT):c.3331T>G (p.Ser1111Ala)

Gene: PCNT (pericentrin; plus strand). Cytogenetic location: 21q22.3.
Variant type: single nucleotide variant.
Coding change: c.3331T>G on transcript NM_006031.6 (MANE Select); coding-DNA position 3331, T replaced by G.
Protein change: p.Ser1111Ala; replaces serine 1111 with alanine.
Molecular consequence: missense variant.
Genome position (GRCh38, 1-based): chr21:46,385,850, T>G. VCF-style: chr21-46385850-T-G. GRCh37 (hg19) VCF-style: chr21-47805765-T-G.
Other names: c.2977T>G, p.Ser993Ala (NM_001315529.2); short protein forms S1111A, S993A.
Identifiers: ClinVar variation 4979427 (VCV004979427.1).

ClinVar aggregate classification (germline): Uncertain significance (1 of 4 stars; one submission).

Conditions:
PCNT-related disorder. Also called: PCNT-related condition.

gnomAD v4.1: 22 of 1,614,132 alleles (0.0014%); highest among the groups gnomAD compares: Non-Finnish European, 0.0018%; no homozygotes.

Submission:

PreventionGenetics, part of Exact Sciences
Classification: Uncertain significance for PCNT-related condition. Last evaluated: 2026-08-12. Review status: criteria provided, single submitter. Criteria: ACMG Guidelines, 2015. Collection method: clinical testing. Allele origin: germline.
Comment: The PCNT c.3331T>G variant is predicted to result in the amino acid substitution p.Ser1111Ala. To our knowledge, this variant has not been reported in the literature. This variant is reported in 0.0044% of alleles in individuals of European (Non-Finnish) descent in gnomAD. At this time, the clinical significance of this variant is uncertain due to the absence of conclusive functional and genetic evidence.